The following is an entry in ClinVar:

NM_001376.5(DYNC1H1):c.561A>G (p.Ala187=)

Gene: DYNC1H1 (dynein cytoplasmic 1 heavy chain 1; plus strand). Cytogenetic location: 14q32.31.
Variant type: single nucleotide variant.
Coding change: c.561A>G on transcript NM_001376.5 (MANE Select); coding-DNA position 561, A replaced by G.
Protein change: p.Ala187=; no amino-acid change (alanine 187 retained).
Molecular consequence: synonymous variant.
Genome position (GRCh38, 1-based): chr14:101,979,761, A>G. VCF-style: chr14-101979761-A-G. GRCh37 (hg19) VCF-style: chr14-102446098-A-G.
Identifiers: ClinVar variation 700936 (VCV000700936.12), dbSNP rs774395446, ClinGen allele CA7351552.

ClinVar aggregate classification (germline): Likely benign. Review status: criteria provided, multiple submitters, no conflicts (2 of 4 stars). 3 submissions from 3 submitters: Likely benign (3). Last evaluated 2026-08-01.

Conditions:
Charcot-Marie-Tooth disease axonal type 2O. Also called: Charcot-Marie-Tooth disease, axonal, type 20; CHARCOT-MARIE-TOOTH NEUROPATHY, AXONAL, TYPE 2O; CHARCOT-MARIE-TOOTH DISEASE, AXONAL, AUTOSOMAL DOMINANT, TYPE 2O; Charcot-Marie-Tooth Neuropathy Type 2O. Identifiers: Orphanet 284232, MedGen C3280220, MONDO:0013644, OMIM 614228.

Allele frequency attached by ClinVar (database versions not stated): gnomAD exomes below 0.00001 and 0.00002; ExAC 0.00001; gnomAD 0.00001; TOPMed 0.00001.
gnomAD v4.1: 30 of 1,614,138 alleles (0.0019%); highest among the groups gnomAD compares: Admixed American, 0.0033%; no homozygotes.

Submissions (3):

CeGaT Center for Human Genetics Tuebingen
Classification: Likely benign. Last evaluated: 2026-08-01. Review status: criteria provided, single submitter. Criteria: CeGaT Center For Human Genetics Tuebingen Variant Classification Criteria Version 2. Collection method: clinical testing. Allele origin: germline. Affected: yes. Observed: 1 variant allele.
Comment: DYNC1H1: BP4, BP7

Labcorp Genetics (formerly Invitae), Labcorp
Classification: Likely benign for Charcot-Marie-Tooth disease axonal type 2O. Last evaluated: 2025-03-16. Review status: criteria provided, single submitter. Criteria: Invitae Variant Classification Sherloc (09022015). Collection method: clinical testing. Allele origin: germline.

Blueprint Genetics
Classification: Likely benign. Last evaluated: 2022-11-28. Review status: criteria provided, single submitter. Criteria: ACMG Guidelines, 2015. Collection method: clinical testing. Allele origin: germline.